The following is an entry in ClinVar:

ClinVar aggregate classification (germline): Uncertain significance. Review status: criteria provided, multiple submitters, no conflicts (2 of 4 stars). 2 submissions from 2 submitters: Uncertain significance (2). Last evaluated 2025-08-09.

Conditions:
Multiple gastrointestinal atresias. Also called: Multiple intestinal atresia; FAMILIAL INTESTINAL POLYATRESIA SYNDROME. Identifiers: Orphanet 2300, MedGen C0220744, MONDO:0009465.
Inborn genetic diseases. Identifiers: MedGen C0950123, MeSH D030342.

Allele frequency attached by ClinVar (database versions not stated): gnomAD exomes below 0.00001; gnomAD 0.00001; TOPMed 0.00001.
gnomAD v4.1: 4 of 1,613,940 alleles (0.00025%); highest among the groups gnomAD compares: African/African-American, 0.0053%; no homozygotes.

Submissions (2):

Ambry Genetics
Classification: Uncertain significance for Inborn genetic diseases. Last evaluated: 2025-08-09. Review status: criteria provided, single submitter. Criteria: Ambry Variant Classification Scheme 2023. Collection method: clinical testing. Allele origin: germline.

Labcorp Genetics (formerly Invitae), Labcorp
Classification: Uncertain significance for Multiple gastrointestinal atresias. Last evaluated: 2022-08-19. Review status: criteria provided, single submitter. Criteria: Invitae Variant Classification Sherloc (09022015). Collection method: clinical testing. Allele origin: germline.
Comment: This sequence change replaces histidine, which is basic and polar, with leucine, which is neutral and non-polar, at codon 225 of the TTC7A protein (p.His225Leu). This variant is present in population databases (no rsID available, gnomAD 0.008%). This variant has not been reported in the literature in individuals affected with TTC7A-related conditions. Algorithms developed to predict the effect of missense changes on protein structure and function (SIFT, PolyPhen-2, Align-GVGD) all suggest that this variant is likely to be tolerated. In summary, the available evidence is currently insufficient to determine the role of this variant in disease. Therefore, it has been classified as a Variant of Uncertain Significance.

NM_020458.4(TTC7A):c.674A>T (p.His225Leu)

Gene: TTC7A (tetratricopeptide repeat domain 7A; plus strand). Cytogenetic location: 2p21.
Variant type: single nucleotide variant.
Coding change: c.674A>T on transcript NM_020458.4 (MANE Select); coding-DNA position 674, A replaced by T.
Protein change: p.His225Leu; replaces histidine 225 with leucine.
Molecular consequence: missense variant. On other transcripts: 5 prime UTR variant (1).
Genome position (GRCh38, 1-based): chr2:46,978,817, A>T. VCF-style: chr2-46978817-A-T. GRCh37 (hg19) VCF-style: chr2-47205956-A-T.
Other names: c.674A>T, p.His225Leu (NM_001288951.2); c.572A>T, p.His191Leu (NM_001288953.2); c.-231A>T (NM_001288955.2); c.674A>T (NM_020458.2); short protein forms H191L, H225L.
Identifiers: ClinVar variation 2415696 (VCV002415696.8), dbSNP rs1235842870, ClinGen allele CA346723732.